The following is an entry in ClinVar:

ClinVar aggregate classification (germline): Uncertain significance (1 of 4 stars; one submission).

Conditions:
Timothy syndrome (TS). Also called: LONG QT SYNDROME WITH SYNDACTYLY. Identifiers: Orphanet 65283, MedGen C1832916, MeSH C536962, MONDO:0010979, OMIM 601005.

Allele frequency attached by ClinVar (database versions not stated): ExAC 0.00001; gnomAD exomes 0.00001; TOPMed 0.00001.
gnomAD v4.1: 3 of 1,613,666 alleles (0.00019%); highest among the groups gnomAD compares: Non-Finnish European, 0.00025%; no homozygotes.

Submission:

Victorian Clinical Genetics Services, Murdoch Childrens Research Institute
Classification: Uncertain significance for Timothy syndrome. Last evaluated: 2022-02-02. Review status: criteria provided, single submitter. Criteria: ACMG Guidelines, 2015. Collection method: clinical testing. Allele origin: germline. Inheritance: Autosomal dominant inheritance.
Comment: Based on the classification scheme VCGS_Germline_v1.3.4, this variant is classified as VUS-3B. Following criteria are met: 0101 - Gain of function is a known mechanism of disease in this gene and is associated with Long QT syndrome 8 (MIM #618447), and Timothy syndrome (MIM#601005) (OMIM, PMID: 25260352). (I) 0107 - This gene is associated with autosomal dominant disease. (I) 0200 - Variant is predicted to result in a missense amino acid change from leucine to proline. (I) 0251 - This variant is heterozygous. (I) 0302 - Variant is present in gnomAD <0.001 for a dominant condition (v2: 3 heterozygotes, 0 homozygotes; however, two alleles failed quality control). (SP) 0502 - Missense variant with conflicting in silico predictions and uninformative conservation. (I) 0604 - Variant is not located in an established domain, motif, hotspot or informative constraint region. (I) 0705 - No comparable missense variants have previous evidence for pathogenicity. (I) 0807 - This variant has no previous evidence of pathogenicity. (I) 0905 - No published segregation evidence has been identified for this variant. (I) 1007 - No published functional evidence has been identified for this variant. (I) 1208 - Inheritance information for this variant is not currently available in this individual. (I) Legend: (SP) - Supporting pathogenic, (I) - Information, (SB) - Supporting benign

Literature cited by the submitters: PubMed 25260352.

NM_000719.7(CACNA1C):c.4946T>C (p.Leu1649Pro)

Genes: CACNA1C (calcium voltage-gated channel subunit alpha1 C; plus strand), CACNA1C-AS1 (CACNA1C antisense RNA 1; minus strand). Cytogenetic location: 12p13.33.
Variant type: single nucleotide variant.
Coding change: c.4946T>C on transcript NM_000719.7 (MANE Select); coding-DNA position 4946, T replaced by C.
Protein change: p.Leu1649Pro; replaces leucine 1649 with proline.
Molecular consequence: missense variant. On other transcripts: non-coding transcript variant (1).
Genome position (GRCh38, 1-based): chr12:2,677,211, T>C. VCF-style: chr12-2677211-T-C. GRCh37 (hg19) VCF-style: chr12-2786377-T-C.
Other names: c.4913T>C, p.Leu1638Pro (NM_001167625.2, NM_001129846.2); c.5090T>C, p.Leu1697Pro (NM_199460.4, NM_001129827.2); c.5069T>C, p.Leu1690Pro (NM_001129829.2); c.4946T>C, p.Leu1649Pro (NM_001129830.3, NM_001129840.2, NM_001129841.2 and 4 more transcripts); c.5030T>C, p.Leu1677Pro (NM_001129831.2); c.5006T>C, p.Leu1669Pro (NM_001129832.2); c.5003T>C, p.Leu1668Pro (NM_001129833.2, NM_001129834.2, NM_001129835.2); c.4997T>C, p.Leu1666Pro (NM_001129836.2); and 3 more; short protein forms L1638P, L1646P, L1649P, L1655P, L1657P, L1666P, L1668P, L1669P.
Identifiers: ClinVar variation 1699479 (VCV001699479.3), dbSNP rs762182784, ClinGen allele CA6389648.